The following is an entry in ClinVar:

NM_001363711.2(DUOX2):c.2850T>C (p.Asn950=)

Gene: DUOX2 (dual oxidase 2; minus strand). Cytogenetic location: 15q21.1.
Variant type: single nucleotide variant.
Coding change: c.2850T>C on transcript NM_001363711.2 (MANE Select); coding-DNA position 2850, T replaced by C.
Protein change: p.Asn950=; no amino-acid change (asparagine 950 retained).
Molecular consequence: synonymous variant.
Genome position (GRCh38, 1-based): chr15:45,101,794, A>G on the plus strand (T>C on the coding strand, the complement: DUOX2 is on the minus strand). VCF-style: chr15-45101794-A-G. GRCh37 (hg19) VCF-style: chr15-45393992-A-G.
Other names: c.2850T>C, p.Asn950= (NM_014080.5).
Identifiers: ClinVar variation 1425239 (VCV001425239.8), dbSNP rs780135402, ClinGen allele CA490217767.
Genomic context (GRCh38, chr15:45,101,794, plus strand): 5'-ACTCTCATTTTGAGGACACGCCCCCCCTCCCTGACGCCAACCATTCCTCACACACTCACC[A>G]TTTCCACCTCCACCTCCACCTTTGACACAGAGCTGCGTGAAGCGGAGCTCGCTGTCATGG-3'
Protein context (NP_001350640.1, residues 940-960): LCVKGGGGGG[Asn950=]GIRDIFKQNI

ClinVar aggregate classification (germline): Uncertain significance (1 of 4 stars; one submission).

Allele frequency attached by ClinVar (database versions not stated): TOPMed below 0.00001.

Submission:

Labcorp Genetics (formerly Invitae), Labcorp
Classification: Uncertain significance. Last evaluated: 2021-06-13. Review status: criteria provided, single submitter. Criteria: Invitae Variant Classification Sherloc (09022015). Collection method: clinical testing. Allele origin: germline.
Comment: This variant has not been reported in the literature in individuals with DUOX2-related conditions. In summary, the available evidence is currently insufficient to determine the role of this variant in disease. Therefore, it has been classified as a Variant of Uncertain Significance. Algorithms developed to predict the effect of sequence changes on RNA splicing suggest that this variant is not likely to affect RNA splicing, but this prediction has not been confirmed by published transcriptional studies. This variant is not present in population databases (ExAC no frequency). This sequence change affects codon 950 of the DUOX2 mRNA. It is a 'silent' change, meaning that it does not change the encoded amino acid sequence of the DUOX2 protein.